The following is an entry in ClinVar:

ClinVar aggregate classification (germline): Uncertain significance (1 of 4 stars; one submission).

Submission:

Labcorp Genetics (formerly Invitae), Labcorp
Classification: Uncertain significance. Last evaluated: 2023-04-05. Review status: criteria provided, single submitter. Criteria: Invitae Variant Classification Sherloc (09022015). Collection method: clinical testing. Allele origin: germline.
Comment: Experimental studies and prediction algorithms are not available or were not evaluated, and the functional significance of this variant is currently unknown. In summary, the available evidence is currently insufficient to determine the role of this variant in disease. Therefore, it has been classified as a Variant of Uncertain Significance. This variant has not been reported in the literature in individuals affected with ORC4-related conditions. This sequence change creates a premature translational stop signal (p.Glu398Valfs*10) in the ORC4 gene. While this is not anticipated to result in nonsense mediated decay, it is expected to disrupt the last 39 amino acid(s) of the ORC4 protein. This variant is present in population databases (rs750693936, gnomAD 0.006%).

NM_181741.4(ORC4):c.1193_1194del (p.Glu398fs)

Gene: ORC4 (origin recognition complex subunit 4; minus strand). Cytogenetic location: 2q23.1.
Variant type: Microsatellite.
Coding change: c.1193_1194del on transcript NM_181741.4 (MANE Select); coding-DNA positions 1193 to 1194, 2 bases deleted (AG; older notation c.1193_1194delAG).
Protein change: p.Glu398fs; shifts the reading frame from glutamic acid 398.
Molecular consequence: frameshift variant.
Genome position (GRCh38, 1-based): chr2:147,935,627-147,935,628, CT deleted on the plus strand (AG on the coding strand, the reverse complement: ORC4 is on the minus strand); deleting any 2 consecutive bases within chr2:147,935,627-147,935,634 gives the same sequence; the c. name uses the placement nearest the transcript's 3' end. VCF-style (leftmost placement, unchanged base first): chr2-147935626-ACT-A. GRCh37 (hg19) VCF-style: chr2-148693195-ACT-A.
Other names: c.1193_1194del, p.Glu398fs (NM_001190879.3, NM_001374270.1, NM_002552.5); c.941_942del, p.Glu314fs (NM_001190881.3, NM_001374272.1); c.971_972del, p.Glu324fs (NM_001190882.3); c.1187_1188AG[3], p.Glu398Valfs (NM_181742.5); short protein forms E398fs, E314fs, E324fs.
Identifiers: ClinVar variation 1400194 (VCV001400194.8), dbSNP rs750693936, ClinGen allele CA1899349.